The following is an entry in ClinVar:

NM_005765.3(ATP6AP2):c.738+92T>C

Gene: ATP6AP2 (ATPase H+ transporting accessory protein 2; plus strand). Cytogenetic location: Xp11.4.
Variant type: single nucleotide variant.
Coding change: c.738+92T>C on transcript NM_005765.3 (MANE Select); 92 bases into the intron after coding-DNA position 738, T replaced by C.
Molecular consequence: intron variant.
Genome position (GRCh38, 1-based): chrX:40,599,833, T>C. VCF-style: chrX-40599833-T-C. GRCh37 (hg19) VCF-style: chrX-40459085-T-C.
Identifiers: ClinVar variation 673237 (VCV000673237.2), dbSNP rs73463376, ClinGen allele CA328989368.

ClinVar aggregate classification (germline): Benign. Review status: criteria provided, multiple submitters, no conflicts (2 of 4 stars). 2 submissions from 2 submitters: Benign (2). Last evaluated 2018-06-14.

Allele frequency attached by ClinVar (database versions not stated): gnomAD 0.01562 and 0.01678; 1000 Genomes Project 0.01642; 1000 Genomes Project 30x 0.01686; TOPMed 0.01721.
gnomAD v4.1: 3,434 of 1,092,413 alleles (0.31%); highest among the groups gnomAD compares: African/African-American, 5.6%; 70 homozygotes.

Submissions (2):

GeneDx
Classification: Benign. Last evaluated: 2018-06-14. Review status: criteria provided, single submitter. Criteria: GeneDx Variant Classification (06012015). Collection method: clinical testing. Allele origin: germline. Affected: yes.
Comment: This variant is considered likely benign or benign based on one or more of the following criteria: it is a conservative change, it occurs at a poorly conserved position in the protein, it is predicted to be benign by multiple in silico algorithms, and/or has population frequency not consistent with disease.

Breakthrough Genomics
Classification: Benign. Review status: criteria provided, single submitter. Criteria: ACMG Guidelines, 2015. Collection method: not provided. Allele origin: germline. Inheritance: X-linked inheritance. Affected: yes.